The following is an entry in ClinVar:

ClinVar aggregate classification (germline): Likely pathogenic (1 of 4 stars; one submission).

Conditions:
Propionic acidemia (PROP). Also called: GLYCINEMIA, KETOTIC; HYPERGLYCINEMIA WITH KETOACIDOSIS AND LEUKOPENIA; KETOTIC HYPERGLYCINEMIA. Identifiers: Orphanet 35, MedGen C0268579, MONDO:0011628, OMIM 606054, HP:0003571.

Submission:

Dubai Health Genomic Medicine Center, Dubai Health
Classification: Likely pathogenic for Propionic acidemia. Last evaluated: 2024-10-04. Review status: criteria provided, single submitter. Criteria: ACMG Guidelines, 2015. Collection method: research. Allele origin: germline. Affected: yes.
Comment: PVS1,PM2

NM_000282.4(PCCA):c.2158_2159insT (p.Glu720fs)

Gene: PCCA (propionyl-CoA carboxylase subunit alpha; plus strand). Cytogenetic location: 13q32.3.
Variant type: Insertion.
Coding change: c.2158_2159insT on transcript NM_000282.4 (MANE Select); coding-DNA positions 2158 to 2159, T inserted.
Protein change: p.Glu720fs; shifts the reading frame from glutamic acid 720.
Molecular consequence: frameshift variant. On other transcripts: non-coding transcript variant (5).
Genome position: GRCh38 VCF-style: chr13-100530137-G-GT. GRCh37 (hg19) VCF-style: chr13-101182391-G-GT.
Other names: c.2080_2081insT, p.Glu694fs (NM_001127692.3); c.2017_2018insT, p.Glu673fs (NM_001178004.2); c.2104_2105insT, p.Glu702fs (NM_001352605.2); c.2014_2015insT, p.Glu672fs (NM_001352606.2); c.1939_1940insT, p.Glu647fs (NM_001352607.2); c.1936_1937insT, p.Glu646fs (NM_001352608.2); c.1213_1214insT, p.Glu405fs (NM_001352610.2); c.1159_1160insT, p.Glu387fs (NM_001352611.2); and 1 more; short protein forms E357fs, E387fs, E405fs, E646fs, E647fs, E672fs, E673fs, E694fs.
Identifiers: ClinVar variation 3383990 (VCV003383990.1).
Genomic context (GRCh38, chr13:100,530,137, plus strand): 5'-CTGCATTTTTCAAAATTCAAGGTGAAATCTGTGCACTGTCAAGCTGGAGACACAGTTGGA[G>GT]AAGGGGATCTGCTCGTGGAGCTGGAATGAAGGATTTATAACCTTTCAGTCATCACCCAAT-3'